The following is an entry in ClinVar:

ClinVar aggregate classification (germline): Uncertain significance (0 of 4 stars; one submission).

Conditions:
VPS13B-related disorder. Also called: VPS13B-related condition.

gnomAD v4.1: 11 of 1,614,104 alleles (0.00068%); highest among the groups gnomAD compares: African/African-American, 0.0013%; no homozygotes.

Submission:

PreventionGenetics, part of Exact Sciences
Classification: Uncertain significance for VPS13B-related condition. Last evaluated: 2024-07-16. Review status: no assertion criteria provided. Collection method: clinical testing. Allele origin: germline.
Comment: The VPS13B c.5603C>T variant is predicted to result in the amino acid substitution p.Ser1868Phe. To our knowledge, this variant has not been reported in the literature. This variant is reported in 0.0026% of alleles in individuals of European (Non-Finnish) descent in gnomAD. At this time, the clinical significance of this variant is uncertain due to the absence of conclusive functional and genetic evidence.

NM_152564.5(VPS13B):c.5603C>T (p.Ser1868Phe)

Gene: VPS13B (vacuolar protein sorting 13 homolog B; plus strand). Cytogenetic location: 8q22.2.
Variant type: single nucleotide variant.
Coding change: c.5603C>T on transcript NM_152564.5 (MANE Select); coding-DNA position 5603, C replaced by T.
Protein change: p.Ser1868Phe; replaces serine 1868 with phenylalanine.
Molecular consequence: missense variant.
Genome position (GRCh38, 1-based): chr8:99,642,193, C>T. VCF-style: chr8-99642193-C-T. GRCh37 (hg19) VCF-style: chr8-100654421-C-T.
Other names: c.5678C>T, p.Ser1893Phe (NM_017890.5); short protein forms S1868F, S1893F.
Identifiers: ClinVar variation 3356246 (VCV003356246.1).